The following is an entry in ClinVar:

NM_198253.3(TERT):c.2254C>T (p.His752Tyr)

Gene: TERT (telomerase reverse transcriptase; minus strand). Cytogenetic location: 5p15.33.
Variant type: single nucleotide variant.
Coding change: c.2254C>T on transcript NM_198253.3 (MANE Select); coding-DNA position 2254, C replaced by T.
Protein change: p.His752Tyr; replaces histidine 752 with tyrosine.
Molecular consequence: missense variant. On other transcripts: non-coding transcript variant (2).
Genome position (GRCh38, 1-based): chr5:1,278,673, G>A on the plus strand (C>T on the coding strand, the complement: TERT is on the minus strand). VCF-style: chr5-1278673-G-A. GRCh37 (hg19) VCF-style: chr5-1278788-G-A.
Other names: c.2254C>T, p.His752Tyr (NM_001193376.3); short protein forms H752Y.
Identifiers: ClinVar variation 4825585 (VCV004825585.1).

ClinVar aggregate classification (germline): Uncertain significance (1 of 4 stars; one submission).

Conditions:
Dyskeratosis congenita. Identifiers: Orphanet 1775, MedGen C0265965, MONDO:0015780.

gnomAD v4.1: 1 of 1,614,138 alleles (0.000062%); highest among the groups gnomAD compares: Non-Finnish European, 0.000085%; no homozygotes.

Submission:

Ambry Genetics
Classification: Uncertain significance for Dyskeratosis congenita. Last evaluated: 2026-01-20. Review status: criteria provided, single submitter. Criteria: Ambry Variant Classification Scheme 2023. Collection method: clinical testing. Allele origin: germline.
Comment: The p.H752Y variant (also known as c.2254C>T), located in coding exon 6 of the TERT gene, results from a C to T substitution at nucleotide position 2254. The histidine at codon 752 is replaced by tyrosine, an amino acid with similar properties. This amino acid position is conserved. In addition, this alteration is predicted to be tolerated by in silico analysis. Based on the available evidence, the clinical significance of this variant remains unclear.